The following is an entry in ClinVar:

NM_002016.2(FLG):c.2765T>G (p.Ile922Ser)

Genes: CCDST (cervical cancer associated DHX9 suppressive transcript; plus strand), FLG (filaggrin; minus strand). Cytogenetic location: 1q21.3.
Variant type: single nucleotide variant.
Coding change: c.2765T>G on transcript NM_002016.2 (MANE Select); coding-DNA position 2765, T replaced by G.
Protein change: p.Ile922Ser; replaces isoleucine 922 with serine.
Molecular consequence: missense variant.
Genome position (GRCh38, 1-based): chr1:152,312,121, A>C on the plus strand (T>G on the coding strand, the complement: FLG is on the minus strand). VCF-style: chr1-152312121-A-C. GRCh37 (hg19) VCF-style: chr1-152284597-A-C.
Other names: short protein forms I922S.
Identifiers: ClinVar variation 2345585 (VCV002345585.4), dbSNP rs201928359, ClinGen allele CA1107004.

ClinVar aggregate classification (germline): Likely benign. Review status: criteria provided, single submitter (1 of 4 stars). 2 submissions from 2 submitters: Likely benign (1). 1 of the submissions does not count toward it. Last evaluated 2021-09-01.

Conditions:
Inborn genetic diseases. Identifiers: MedGen C0950123, MeSH D030342.
FLG-related disorder. Also called: FLG-related condition; FLG-related disorders.

Allele frequency attached by ClinVar (database versions not stated): 1000 Genomes Project 30x 0.02280.

Submissions (2):

Ambry Genetics
Classification: Likely benign for Inborn genetic diseases. Last evaluated: 2021-09-01. Review status: criteria provided, single submitter. Criteria: Ambry Variant Classification Scheme 2023. Collection method: clinical testing. Allele origin: germline.

PreventionGenetics, part of Exact Sciences
Classification: Likely benign for FLG-related condition. Last evaluated: 2023-12-13. Review status: no assertion criteria provided. Collection method: clinical testing. Allele origin: germline. Not counted in ClinVar's aggregate classification.
Comment: This variant is classified as likely benign based on ACMG/AMP sequence variant interpretation guidelines (Richards et al. 2015 PMID: 25741868, with internal and published modifications).